The following is an entry in ClinVar:

NM_052988.5(CDK10):c.1039G>A (p.Ala347Thr)

Gene: CDK10 (cyclin dependent kinase 10; plus strand). Cytogenetic location: 16q24.3.
Variant type: single nucleotide variant.
Coding change: c.1039G>A on transcript NM_052988.5 (MANE Select); coding-DNA position 1039, G replaced by A.
Protein change: p.Ala347Thr; replaces alanine 347 with threonine.
Molecular consequence: missense variant. On other transcripts: non-coding transcript variant (1), intron variant (1).
Genome position (GRCh38, 1-based): chr16:89,695,648, G>A. VCF-style: chr16-89695648-G-A. GRCh37 (hg19) VCF-style: chr16-89762056-G-A.
Other names: c.808G>A, p.Ala270Thr (NM_001098533.3); c.826G>A, p.Ala276Thr (NM_001160367.2); c.773-81G>A (NM_052987.4); short protein forms A270T, A276T, A347T.
Identifiers: ClinVar variation 3770721 (VCV003770721.13).
Genomic context (GRCh38, chr16:89,695,648, plus strand): 5'-CCTGCAGCCTGTGAGCCGGAGCTCATGCCGACCTTTCCCCACCACCGCAACAAGCGGGCC[G>A]CCCCAGCCACCTCCGAGGGCCAGAGCAAGCGCTGTAAACCCTGACGGTGGGCCTGGCACA-3'
Protein context (NP_443714.3, residues 337-357): TFPHHRNKRA[Ala347Thr]PATSEGQSKR

ClinVar aggregate classification (germline): Likely benign (1 of 4 stars; one submission).

gnomAD v4.1: 1,655 of 1,604,342 alleles (0.1%); highest among the groups gnomAD compares: Non-Finnish European, 0.13%; 3 homozygotes.

Submission:

CeGaT Center for Human Genetics Tuebingen
Classification: Likely benign. Last evaluated: 2024-12-01. Review status: criteria provided, single submitter. Criteria: CeGaT Center For Human Genetics Tuebingen Variant Classification Criteria Version 2. Collection method: clinical testing. Allele origin: germline. Affected: yes. Observed: 1 variant allele.
Comment: CDK10: BP4